The following is an entry in ClinVar:

ClinVar aggregate classification (germline): Likely pathogenic (1 of 4 stars; one submission).

Conditions:
Parkinsonism-dystonia, infantile. Identifiers: Orphanet 238455, MedGen C2751067, MONDO:0013150.

Submission:

Labcorp Genetics (formerly Invitae), Labcorp
Classification: Likely pathogenic for Parkinsonism-dystonia, infantile. Last evaluated: 2022-07-06. Review status: criteria provided, single submitter. Criteria: Invitae Variant Classification Sherloc (09022015). Collection method: clinical testing. Allele origin: germline.
Comment: This sequence change affects a donor splice site in intron 13 of the SLC6A3 gene. It is expected to disrupt RNA splicing. Variants that disrupt the donor or acceptor splice site typically lead to a loss of protein function (PMID: 16199547), and loss-of-function variants in SLC6A3 are known to be pathogenic (PMID: 21112253). This variant is not present in population databases (gnomAD no frequency). This variant has not been reported in the literature in individuals affected with SLC6A3-related conditions. ClinVar contains an entry for this variant (Variation ID: 1525470). Algorithms developed to predict the effect of sequence changes on RNA splicing suggest that this variant may disrupt the consensus splice site. In summary, the currently available evidence indicates that the variant is pathogenic, but additional data are needed to prove that conclusively. Therefore, this variant has been classified as Likely Pathogenic.

Literature cited by the submitters: PubMed 16199547; PubMed 21112253.

NM_001044.5(SLC6A3):c.1767+2T>C

Gene: SLC6A3 (solute carrier family 6 member 3). Cytogenetic location: 5p15.33.
Variant type: single nucleotide variant.
Coding change: c.1767+2T>C on transcript NM_001044.5 (MANE Select); the canonical splice donor site of the intron after coding-DNA position 1767, T replaced by C.
Molecular consequence: splice donor variant.
Genome position (GRCh38, 1-based): chr5:1,402,920, A>G on the plus strand (T>C on the coding strand, the complement: SLC6A3 is on the minus strand). VCF-style: chr5-1402920-A-G. GRCh37 (hg19) VCF-style: chr5-1403035-A-G.
Identifiers: ClinVar variation 1525470 (VCV001525470.8), dbSNP rs2126324037, ClinGen allele CA359073433.